The following is an entry in ClinVar:

ClinVar aggregate classification (germline): Uncertain significance (1 of 4 stars; one submission).

Conditions:
Inborn genetic diseases. Identifiers: MedGen C0950123, MeSH D030342.

Submission:

Ambry Genetics
Classification: Uncertain significance for Inborn genetic diseases. Last evaluated: 2021-06-11. Review status: criteria provided, single submitter. Criteria: Ambry Variant Classification Scheme 2023. Collection method: clinical testing. Allele origin: germline.
Comment: The p.E20Q variant (also known as c.58G>C) is located in coding exon 2 of the YARS gene. The glutamic acid at codon 20 is replaced by glutamine, an amino acid with highly similar properties. This change occurs in the first base pair of coding exon 2. This amino acid position is highly conserved in available vertebrate species. In addition, the in silico prediction for this alteration is inconclusive. Since supporting evidence is limited at this time, the clinical significance of this alteration remains unclear.

NM_003680.4(YARS1):c.58G>C (p.Glu20Gln)

Gene: YARS1 (tyrosyl-tRNA synthetase 1; minus strand). Cytogenetic location: 1p35.1.
Variant type: single nucleotide variant.
Coding change: c.58G>C on transcript NM_003680.4 (MANE Select); coding-DNA position 58, G replaced by C.
Protein change: p.Glu20Gln; replaces glutamic acid 20 with glutamine.
Molecular consequence: missense variant.
Genome position (GRCh38, 1-based): chr1:32,811,057, C>G on the plus strand (G>C on the coding strand, the complement: YARS1 is on the minus strand). VCF-style: chr1-32811057-C-G. GRCh37 (hg19) VCF-style: chr1-33276658-C-G.
Other names: short protein forms E20Q.
Identifiers: ClinVar variation 1799917 (VCV001799917.2), dbSNP rs771983226, ClinGen allele CA339688158.